The following is an entry in ClinVar:

ClinVar aggregate classification (germline): Uncertain significance. Review status: criteria provided, multiple submitters, no conflicts (2 of 4 stars). 4 submissions from 4 submitters: Uncertain significance (4). Last evaluated 2025-02-19.

Conditions:
MYO15A-related disorder. Also called: MYO15A-related condition.
Inborn genetic diseases. Identifiers: MedGen C0950123, MeSH D030342.

Allele frequency attached by ClinVar (database versions not stated): TOPMed 0.00001; gnomAD exomes 0.00002; ExAC 0.00004.
gnomAD v4.1: 36 of 1,600,326 alleles (0.0022%); highest among the groups gnomAD compares: South Asian, 0.015%; no homozygotes.

Submissions (4):

PreventionGenetics, part of Exact Sciences
Classification: Uncertain significance for MYO15A-related condition. Last evaluated: 2025-02-19. Review status: criteria provided, single submitter. Criteria: ACMG Guidelines, 2015. Collection method: clinical testing. Allele origin: germline.
Comment: The MYO15A c.6784C>T variant is predicted to result in the amino acid substitution p.Arg2262Cys. To our knowledge, this variant has not been reported in the literature. This variant is reported in 0.0054% of alleles in individuals of East Asian descent in gnomAD. At this time, the clinical significance of this variant is uncertain due to the absence of conclusive functional and genetic evidence.

GeneDx
Classification: Uncertain significance. Last evaluated: 2024-12-10. Review status: criteria provided, single submitter. Criteria: GeneDx Variant Classification Process June 2021. Collection method: clinical testing. Allele origin: germline. Affected: yes.
Comment: Not observed at significant frequency in large population cohorts (gnomAD); In silico analysis supports that this missense variant has a deleterious effect on protein structure/function; Has not been previously published as pathogenic or benign to our knowledge

Ambry Genetics
Classification: Uncertain significance for Inborn genetic diseases. Last evaluated: 2024-11-20. Review status: criteria provided, single submitter. Criteria: Ambry Variant Classification Scheme 2023. Collection method: clinical testing. Allele origin: germline.

Labcorp Genetics (formerly Invitae), Labcorp
Classification: Uncertain significance. Last evaluated: 2022-03-22. Review status: criteria provided, single submitter. Criteria: Invitae Variant Classification Sherloc (09022015). Collection method: clinical testing. Allele origin: germline.
Comment: This sequence change replaces arginine, which is basic and polar, with cysteine, which is neutral and slightly polar, at codon 2262 of the MYO15A protein (p.Arg2262Cys). The frequency data for this variant in the population databases is considered unreliable, as metrics indicate poor data quality at this position in the gnomAD database. This variant has not been reported in the literature in individuals affected with MYO15A-related conditions. Algorithms developed to predict the effect of missense changes on protein structure and function are either unavailable or do not agree on the potential impact of this missense change (SIFT: "Deleterious"; PolyPhen-2: "Not Available"; Align-GVGD: "Class C0"). In summary, the available evidence is currently insufficient to determine the role of this variant in disease. Therefore, it has been classified as a Variant of Uncertain Significance.

NM_016239.4(MYO15A):c.6784C>T (p.Arg2262Cys)

Gene: MYO15A (myosin XVA; plus strand). Cytogenetic location: 17p11.2.
Variant type: single nucleotide variant.
Coding change: c.6784C>T on transcript NM_016239.4 (MANE Select); coding-DNA position 6784, C replaced by T.
Protein change: p.Arg2262Cys; replaces arginine 2262 with cysteine.
Molecular consequence: missense variant.
Genome position (GRCh38, 1-based): chr17:18,148,780, C>T. VCF-style: chr17-18148780-C-T. GRCh37 (hg19) VCF-style: chr17-18052094-C-T.
Other names: c.6784C>T (NM_016239.3); short protein forms R2262C.
Identifiers: ClinVar variation 1919621 (VCV001919621.5), dbSNP rs779584672, ClinGen allele CA8424674.